The following is an entry in ClinVar:

ClinVar aggregate classification (germline): Uncertain significance. Review status: criteria provided, multiple submitters, no conflicts (2 of 4 stars). 16 submissions from 16 submitters: Uncertain significance (13). 3 of the submissions do not count toward it. Last evaluated 2026-09-25.

Conditions:
Cardiovascular phenotype. Identifiers: MedGen CN230736.
Hypertrophic cardiomyopathy 4. Also called: Familial hypertrophic cardiomyopathy 4. Identifiers: MedGen C1861862, MONDO:0007268, OMIM 115197.
Left ventricular noncompaction 10 (LVNC10). Identifiers: Orphanet 154, Orphanet 54260, MedGen C3715165, MONDO:0014163, OMIM 615396.
Cardiomyopathy (CMYO). Also called: Cardiomyopathies. Identifiers: Orphanet 167848, MedGen C0878544, MONDO:0004994, HP:0001638. Inheritance: Various modes of inheritance.
Primary familial hypertrophic cardiomyopathy (HCM). Identifiers: Orphanet 99739, MedGen C0949658, MeSH D024741, MONDO:0024573. Inheritance: Various modes of inheritance.
Hypertrophic cardiomyopathy. Also called: HYPERTROPHIC MYOCARDIOPATHY. Identifiers: Orphanet 217569, MedGen C0007194, MeSH D002312, MONDO:0005045, HP:0001639.

Allele frequency attached by ClinVar (database versions not stated): TOPMed 0.00006; ESP Exome Variant Server 0.00008.
gnomAD v4.1: 90 of 1,528,202 alleles (0.0059%); highest among the groups gnomAD compares: Non-Finnish European, 0.0075%; 1 homozygote.

Submissions 1 to 6 of 16:

GeneDx
Classification: Uncertain significance. Last evaluated: 2026-09-25. Review status: criteria provided, single submitter. Criteria: GeneDx Variant Classification Process June 2021. Collection method: clinical testing. Allele origin: germline.
Comment: Reported in the heterozygous state in individuals with confirmed cardiomyopathy or referred for cardiomyopathy genetic testing at GeneDx and in the published literature; however, multiple individuals were found to harbor additional cardiogenetic variants (PMID: 33495597, 37431535, 25351510, 36252119, 16199542); Observed in the homozygous state in an individual with moderate/severe hypertrophy, left ventricular outflow tract obstruction, and non-sustained ventricular tachycardia (PMID: 12951062); In silico analysis supports that this missense variant has a deleterious effect on protein structure/function; This variant is associated with the following publications: (PMID: 21415409, 22515980, 15115610, 25637381, 17655857, 23349452, 23299917, 21839045, 25335496, 26688216, 21551322, 18761664, 20031583, 28518168, 28679633, 16199542, 12951062, 37937776, 36252119, 33495597, 37652022, 25351510, 35653365, 37431535, 29663722, 39633578)

Labcorp Genetics (formerly Invitae), Labcorp
Classification: Uncertain significance for Hypertrophic cardiomyopathy. Last evaluated: 2026-01-14. Review status: criteria provided, single submitter. Criteria: Invitae Variant Classification Sherloc (09022015). Collection method: clinical testing. Allele origin: germline.
Comment: This sequence change replaces proline, which is neutral and non-polar, with histidine, which is basic and polar, at codon 873 of the MYBPC3 protein (p.Pro873His). This variant is present in population databases (rs371401403, gnomAD 0.01%). This missense change has been observed in individuals with hypertrophic cardiomyopathy (PMID: 12951062, 29663722, 36252119, 37652022; internal data). ClinVar contains an entry for this variant (Variation ID: 30143). An algorithm developed to predict the effect of missense changes on protein structure and function (PolyPhen-2) suggests that this variant is likely to be disruptive. Experimental studies have shown that this missense change affects MYBPC3 function (PMID: 26688216). In summary, the available evidence is currently insufficient to determine the role of this variant in disease. Therefore, it has been classified as a Variant of Uncertain Significance.

Color Diagnostics, LLC DBA Color Health
Classification: Uncertain significance for Cardiomyopathy. Last evaluated: 2025-07-11. Review status: criteria provided, single submitter. Criteria: ACMG Guidelines, 2015. Collection method: clinical testing. Allele origin: germline.
Comment: This missense variant replaces proline with histidine at codon 873 of the MYBPC3 protein. Computational prediction suggests that this variant may have a deleterious impact on protein structure and function. An experimental functional study has indicated that this variant may impact protein folding (PMID: 26688216), but the clinical relevance of this observation is not known. This variant has been reported in the heterozygous state in individuals affected with hypertrophic cardiomyopathy (PMID: 33495597, 35653365, 37652022DOI:10.1016/j.ejmhg.2017.05.002) and in individuals affected with dilated cardiomyopathy (PMID: 23349452, 36252119). This variant has also been reported in homozygosity in an individual affected with hypertrophic cardiomyopathy (PMID: 12951062), as well as in two related individuals from a family affected with hypertrophic cardiomyopathy (PMID: 29663722). In this family, seven unaffected heterozygous carriers were reported. This variant has been identified in 15/207756 chromosomes in the general population by the Genome Aggregation Database (gnomAD). In summary, this is a variant with uncertain functional impact that has been reported in affected individuals as well as in the general population. The available evidence is insufficient to determine the role of this variant in disease conclusively. Therefore, this variant is classified as a Variant of Uncertain Significance.

Blueprint Genetics
Classification: Uncertain significance. Last evaluated: 2024-11-27. Review status: criteria provided, single submitter. Criteria: ACMG Guidelines, 2015. Collection method: clinical testing. Allele origin: germline.

Women's Health and Genetics/Laboratory Corporation of America, LabCorp
Classification: Uncertain significance. Last evaluated: 2023-11-29. Review status: criteria provided, single submitter. Criteria: LabCorp Variant Classification Summary - May 2015. Collection method: clinical testing. Allele origin: germline.
Comment: Variant summary: MYBPC3 c.2618C>A (p.Pro873His) results in a non-conservative amino acid change located in the Fibronectin type III (IPR003961) of the encoded protein sequence. Four of four in-silico tools predict a damaging effect of the variant on protein function. The variant allele was found at a frequency of 7.9e-05 in 176378 control chromosomes, predominantly at a frequency of 0.00016 within the Non-Finnish European subpopulation in the gnomAD database, including 1 homozygotes. The observed variant frequency within Non-Finnish European control individuals in the gnomAD database is approximately 5-fold of the estimated maximal expected allele frequency for a pathogenic variant in MYBPC3 causing Dilated Cardiomyopathy phenotype (3.1e-05), strongly suggesting that the variant is a benign polymorphism found primarily in populations of Non-Finnish European origin. c.2618C>A has been reported in the literature in individuals affected with Dilated Cardiomyopathy and unspecified individuals from large public datasets, without strong evidence for causality (examples, Nanni_2003, Andreasen_2013, Amendola_2015, Stava_2022, vanSpaendonck_2013). These report(s) do not provide unequivocal conclusions about association of the variant with Dilated Cardiomyopathy. To our knowledge, no experimental evidence demonstrating an impact on protein function has been reported. The following publications have been ascertained in the context of this evaluation (PMID: 25637381, 23299917, 35653365, 23349452, 12951062). Ten submitters have cited clinical-significance assessments for this variant to ClinVar after 2014. All submitters classified the variant as uncertain significance. Based on the evidence outlined above, the variant was classified as VUS-possibly benign.

All of Us Research Program, National Institutes of Health
Classification: Uncertain significance for Hypertrophic cardiomyopathy. Last evaluated: 2023-11-20. Review status: criteria provided, single submitter. Criteria: ACMG Guidelines, 2015. Collection method: clinical testing. Allele origin: germline. Inheritance: Autosomal dominant inheritance. Observed: 12 variant alleles, 12 heterozygotes.
Comment: This missense variant replaces proline with histidine at codon 873 of the MYBPC3 protein. Computational prediction suggests that this variant may have deleterious impact on protein structure and function (internally defined REVEL score threshold >= 0.7, PMID: 27666373). Splice site prediction tools suggest that this variant may not impact RNA splicing. An experimental study has indicated that this missense may impact protein folding (PMID: 26688216), but the clinical relevance of this observation is not known. This variant has been reported in the heterozygous state in individuals affected with hypertrophic cardiomyopathy (PMID: 16199542, 21839045; Kassem 2017) and with dilated cardiomyopathy (PMID: 23349452). This variant has been reported in homozygosity in an individual affected with hypertrophic cardiomyopathy (PMID: 12951062), as well as in two related individuals from a Swedish family affected with hypertrophic cardiomyopathy (PMID: 29663722). In this Swedish family, seven unaffected heterozygous carriers were reported. This variant has also been identified in 15/207756 chromosomes (14/98008 Non-Finnish European chromosomes, including one homozygous individual) in the general population by the Genome Aggregation Database (gnomAD). In summary, this is a variant with uncertain functional impact that has been reported in affected individuals as well as in the general population. In a family study, multiple unaffected heterozygotes were observed in addition to two affected homozygotes. Available evidence is insufficient to determine the role of this variant in autosomal dominant cardiomyopathy conclusively. Therefore, this variant is classified as a Variant of Uncertain Significance.

This study involves interpretation of variants in research participants for the purpose of population health screening. Participant phenotype was not available at the time of variant classification. Additional details can be found in publication PMID: 35346344, PMCID: PMC8962531

NM_000256.3(MYBPC3):c.2618C>A (p.Pro873His)

Gene: MYBPC3 (myosin binding protein C3; minus strand). Cytogenetic location: 11p11.2.
Variant type: single nucleotide variant.
Coding change: c.2618C>A on transcript NM_000256.3 (MANE Select); coding-DNA position 2618, C replaced by A.
Protein change: p.Pro873His; replaces proline 873 with histidine.
Molecular consequence: missense variant.
Genome position (GRCh38, 1-based): chr11:47,335,996, G>T on the plus strand (C>A on the coding strand, the complement: MYBPC3 is on the minus strand). VCF-style: chr11-47335996-G-T. GRCh37 (hg19) VCF-style: chr11-47357547-G-T.
Other names: short protein forms P873H.
Identifiers: ClinVar variation 30143 (VCV000030143.47), dbSNP rs371401403, ClinGen allele CA012748.